The following is an entry in ClinVar:

ClinVar aggregate classification (germline): Uncertain significance (1 of 4 stars; one submission).

Submission:

Geisinger Autism and Developmental Medicine Institute, Geisinger Health System
Classification: Uncertain significance. Last evaluated: 2017-07-29. Review status: criteria provided, single submitter. Criteria: ACMG CNV Guidelines, 2011. Collection method: provider interpretation. Allele origin: unknown.
Comment: Parental testing was not completed. The region is not known to vary in copy number in the normal population, but none of the genes in the region are currently associated with known clinical disorders.

Single allele

Genes: VN1R1 (vomeronasal 1 receptor 1; minus strand), ZIK1 (zinc finger protein interacting with K protein 1; plus strand), ZNF134 (zinc finger protein 134; plus strand), ZNF211 (zinc finger protein 211; plus strand), ZNF416 (zinc finger protein 416; minus strand) and 9 more. Cytogenetic location: 19q13.43.
Variant type: Duplication.
Identifiers: ClinVar variation 560059 (VCV000560059.3).